The following is an entry in ClinVar:

NM_004113.6(FGF12):c.155G>A (p.Arg52His)

Gene: FGF12 (fibroblast growth factor 12; minus strand). Cytogenetic location: 3q28.
Variant type: single nucleotide variant.
Coding change: c.155G>A on transcript NM_004113.6 (MANE Select); coding-DNA position 155, G replaced by A.
Protein change: p.Arg52His; replaces arginine 52 with histidine.
Molecular consequence: missense variant.
Genome position (GRCh38, 1-based): chr3:192,335,434, C>T on the plus strand (G>A on the coding strand, the complement: FGF12 is on the minus strand). VCF-style: chr3-192335434-C-T. GRCh37 (hg19) VCF-style: chr3-192053223-C-T.
Other names: c.44G>A, p.Arg15His (NM_001377292.1); c.83G>A, p.Arg28His (NM_001377293.1, NM_001377294.1); c.341G>A, p.Arg114His (NM_021032.5); c.155G>A (NM_004113.5); short protein forms R114H, R52H, R15H, R28H.
Identifiers: ClinVar variation 266034 (VCV000266034.37), dbSNP rs886039903, ClinGen allele CA10588956.

ClinVar aggregate classification (germline): Pathogenic/Likely pathogenic. Review status: criteria provided, multiple submitters, no conflicts (2 of 4 stars). 23 submissions from 21 submitters: Pathogenic (15); Likely pathogenic (1). 7 of the submissions do not count toward it. Last evaluated 2026-01-29.

Conditions:
Developmental and epileptic encephalopathy, 47 (DEE47). Also called: Epileptic encephalopathy, early infantile, 47. Identifiers: MedGen C4310685, MONDO:0014949, OMIM 617166.
Early onset epileptic encephalopathy.
Seizure. Also called: Seizures. Identifiers: MedGen C0036572, HP:0001250.

Submissions 1 to 16 of 23:

Dasa
Classification: Pathogenic. Last evaluated: 2026-01-29. Review status: criteria provided, single submitter. Criteria: DASA Assertion Criteria. Collection method: clinical testing. Allele origin: germline.
Comment: NM_004113.6(FGF12):c.155G>A (p.Arg52His) is a missense variant that results in the substitution of arginine with histidine. Functional evidence supports a deleterious effect on the gene or gene product (PMID: 28554332; PMID: 27164707; PMID: 27830185; PMID: 27872899; PMID: 28506426). This variant has been recurrently observed in individuals with related phenotype (PMID: 28554332; PMID: 27164707; PMID: 27830185; PMID: 27872899; PMID: 28506426). Segregation evidence has been reported in affected families. Based on the available data, this variant is classified as pathogenic.

OLLIN Analises Genomicas, OLLIN
Classification: Pathogenic for Developmental and epileptic encephalopathy, 47. Last evaluated: 2025-11-07. Review status: criteria provided, single submitter. Criteria: ACMG Guidelines 2015 PMID 25741868. Collection method: clinical testing. Allele origin: germline. Affected: yes. Observed: 1 variant allele.
Comment: The missense variant (chr3:192335434C>T), located in exon 4 (of 6), is absent in gnomAD v4.1 non-UKB and described in ClinVar (VCV000266034.34) and in the scientific literature, also being identified de novo and segregating with the phenotype in individuals with epileptic and developmental encephalopathy (PMID: 27872899, 33982289, 27164707). In silico analysis is inconclusive regarding the impact of this variant; however, functional studies suggest that it affects protein function (PMID: 33982289, 27164707). According to currently available evidence, this variant has been classified as pathogenic (PS2, PS3_P, PS4, PM2_P, PP1).

Excellence Center for Genomics and Precision Medicine, King Chulalongkorn Memorial Hospital
Classification: Pathogenic for Developmental and epileptic encephalopathy, 47. Last evaluated: 2025-10-01. Review status: criteria provided, single submitter. Criteria: ACMG Guidelines, 2015. Collection method: clinical testing. Allele origin: germline. Affected: yes.
Comment: PP1, PS4_moderate, PM2_supporting, PS3_supporting, PS2

Labcorp Genetics (formerly Invitae), Labcorp
Classification: Pathogenic. Last evaluated: 2024-11-18. Review status: criteria provided, single submitter. Criteria: Invitae Variant Classification Sherloc (09022015). Collection method: clinical testing. Allele origin: germline.
Comment: This sequence change replaces arginine, which is basic and polar, with histidine, which is basic and polar, at codon 114 of the FGF12 protein (p.Arg114His). This variant is not present in population databases (gnomAD no frequency). This missense change has been observed in individual(s) with early-onset epileptic encephalopathy (PMID: 27164707, 27830185, 27872899, 28506426, 28554332). In at least one individual the variant was observed to be de novo. It has also been observed to segregate with disease in related individuals. This variant is also known as p.Arg52His. ClinVar contains an entry for this variant (Variation ID: 266034). Invitae Evidence Modeling of protein sequence and biophysical properties (such as structural, functional, and spatial information, amino acid conservation, physicochemical variation, residue mobility, and thermodynamic stability) has been performed for this missense variant. However, the output from this modeling did not meet the statistical confidence thresholds required to predict the impact of this variant on FGF12 protein function. Experimental studies have shown that this missense change affects FGF12 function (PMID: 27164707). For these reasons, this variant has been classified as Pathogenic.

3billion
Classification: Pathogenic for Developmental and epileptic encephalopathy, 47. Last evaluated: 2024-10-17. Review status: criteria provided, single submitter. Criteria: ACMG Guidelines, 2015. Collection method: clinical testing. Allele origin: germline. Affected: yes.
Comment: The variant is not observed in the gnomAD v4.1.0 dataset. Predicted Consequence/Location: Missense variant. Missense changes are a common disease-causing mechanism. Functional studies provide strong evidence of the variant having a damaging effect on the gene or gene product (PMID: 27164707). In silico tool predictions suggest damaging effect of the variant on gene or gene product [3Cnet: 0.92 (>=0.6, sensitivity 0.72 and precision 0.9)]. The same nucleotide change resulting in the same amino acid change has been previously reported as pathogenic/likely pathogenic with strong evidence (ClinVar ID: VCV000266034 /PMID: 27164707 /3billion dataset). The variant has been previously reported as de novo in at least two similarly affected unrelated individuals (PMID: 27164707, 29652076, 29699863). The variant has been observed in at least two similarly affected unrelated individuals (PMID: 27164707, 29652076, 29699863). The variant has been previously reported as assumed (i.e. paternity and maternity not confirmed) de novo in at least one similarly affected unrelated individual (3billion dataset). Therefore, this variant is classified as Pathogenic according to the recommendation of ACMG/AMP guideline.

Population and Medical Genomics Lab, Sidra Medicine
Classification: Likely pathogenic for Developmental and epileptic encephalopathy, 47. Last evaluated: 2023-11-02. Review status: criteria provided, single submitter. Criteria: ACMG Guidelines, 2015. Collection method: research. Allele origin: de novo. Inheritance: Autosomal dominant inheritance. Affected: yes. Observed: 1 variant allele, 1 heterozygote.
Comment: The Arg52His variant in FGF12 has been reported previously to be associated with a gain-of-function mechanism using functional studies (PS3), causing DEE (PMID:27164707, PMID: 27830185, PMID: 27872899). This variant is absent in gnomAD v.4.1.1 (PM2), multiple in silico prediction tools predict pathogenicity (PP3), confirmed to be de novo (PS2), and reported to be pathogenic (PP5).

Baylor Genetics
Classification: Pathogenic for Developmental and epileptic encephalopathy, 47. Last evaluated: 2023-07-10. Review status: criteria provided, single submitter. Criteria: ACMG Guidelines, 2015. Collection method: clinical testing. Allele origin: unknown.

Centre for Clinical Genetics and Genomic Diagnostics, Zealand University Hospital
Classification: Pathogenic. Last evaluated: 2023-05-25. Review status: criteria provided, single submitter. Criteria: ACMG Guidelines, 2015. Collection method: clinical testing. Allele origin: de novo. Affected: yes.

GeneDx
Classification: Pathogenic. Last evaluated: 2023-05-18. Review status: criteria provided, single submitter. Criteria: GeneDx Variant Classification Process June 2021. Collection method: clinical testing. Allele origin: germline. Affected: yes.
Comment: Published functional studies suggest the variant strongly changed the voltage dependence of inactivation gating, resulting in a gain-of-function effect and increased neuronal excitability (Siekierska et al., 2016); In silico analysis supports that this missense variant has a deleterious effect on protein structure/function; Not observed at significant frequency in large population cohorts (gnomAD); This variant is associated with the following publications: (PMID: 27830185, 28506426, 27872899, 28991257, 29652076, 33186347, 31164858, 34758253, 27164707, 28554332, 29100083, 28135719, 29699863, 30951195, 31780880, 33982289, 33349918, 33233562, 32645220, 32234142, 33287870, 31785789, 32368696)

Dubai Health Genomic Medicine Center, Dubai Health
Classification: Pathogenic. Last evaluated: 2022-12-17. Review status: criteria provided, single submitter. Criteria: ACMG Guidelines, 2015. Collection method: clinical testing. Allele origin: germline. Affected: yes.

Cytogénomique, Hospices Civils de Lyon
Classification: Pathogenic for Seizure. Last evaluated: 2022-10-25. Review status: criteria provided, single submitter. Criteria: ACMG Guidelines, 2015. Collection method: clinical testing. Allele origin: de novo. Affected: yes. Observed: 1 variant allele, 1 heterozygote.

Clinical Genetics Laboratory, Skane University Hospital Lund
Classification: Pathogenic. Last evaluated: 2022-06-16. Review status: criteria provided, single submitter. Criteria: ACMG Guidelines, 2015. Collection method: clinical testing. Allele origin: germline. Affected: yes.

Institute of Human Genetics, University of Leipzig Medical Center
Classification: Pathogenic for Developmental and epileptic encephalopathy, 47. Last evaluated: 2022-05-31. Review status: criteria provided, single submitter. Criteria: ACMG Guidelines, 2015. Collection method: clinical testing. Allele origin: unknown. Affected: yes.
Comment: _x000D_ Criteria applied: PS2_VSTR, PS4, PS3_MOD, PM1, PM2_SUP, PP3

Institute of Medical Genetics and Applied Genomics, University Hospital Tübingen
Classification: Pathogenic. Last evaluated: 2020-10-23. Review status: criteria provided, single submitter. Criteria: ACMG Guidelines, 2015. Collection method: clinical testing. Allele origin: germline. Inheritance: Autosomal dominant inheritance. Affected: yes.

HudsonAlpha Institute for Biotechnology
Classification: Pathogenic for Developmental and epileptic encephalopathy, 47. Last evaluated: 2016-09-15. Review status: criteria provided, single submitter. Criteria: HA_assertions_20161101. Collection method: research. Allele origin: de novo. Affected: yes. Observed: 2 variant alleles. Study: CSER-HudsonAlpha.

Kasturba Medical College, Manipal, Kasturba Medical College, Manipal, Manipal Academy of Higher Education, Manipal, India
Classification: Pathogenic for Developmental and epileptic encephalopathy, 47. Review status: criteria provided, single submitter. Criteria: ACMG Guidelines, 2015. Collection method: clinical testing. Allele origin: de novo. Inheritance: Autosomal dominant inheritance. Affected: yes.